The following is an entry in ClinVar:

NM_020166.5(MCCC1):c.980C>G (p.Ser327Ter)

Gene: MCCC1 (methylcrotonyl-CoA carboxylase subunit 1; minus strand). Cytogenetic location: 3q27.1.
Variant type: single nucleotide variant.
Coding change: c.980C>G on transcript NM_020166.5 (MANE Select); coding-DNA position 980, C replaced by G.
Protein change: p.Ser327Ter; replaces serine 327 with a stop codon.
Molecular consequence: nonsense. On other transcripts: non-coding transcript variant (2).
Genome position (GRCh38, 1-based): chr3:183,045,516, G>C on the plus strand (C>G on the coding strand, the complement: MCCC1 is on the minus strand). VCF-style: chr3-183045516-G-C. GRCh37 (hg19) VCF-style: chr3-182763304-G-C.
Other names: c.629C>G, p.Ser210Ter (NM_001293273.2); c.653C>G, p.Ser218Ter (NM_001363880.1); short protein forms S327*, S210*, S218*.
Identifiers: ClinVar variation 265231 (VCV000265231.17), dbSNP rs750484977, ClinGen allele CA2718906.

ClinVar aggregate classification (germline): Pathogenic. Review status: criteria provided, multiple submitters, no conflicts (2 of 4 stars). 6 submissions from 6 submitters: Pathogenic (6). Last evaluated 2026-03-03.

Conditions:
Methylcrotonyl-CoA carboxylase deficiency. Also called: Deficiency of methylcrotonoyl-CoA carboxylase; 3-MCC Deficiency; 3 Methylcrotonylglycinuria. Identifiers: Orphanet 6, MedGen C4551505, MONDO:0018950.
3-methylcrotonyl-CoA carboxylase 1 deficiency (MCC1D). Also called: MCC 1 deficiency; 3 Alpha methylcrotonylglycinuria 1; MCCD TYPE 1; METHYLCROTONYLGLYCINURIA TYPE I. Identifiers: Orphanet 6, MedGen CN028786, MONDO:0008861, OMIM 210200.

Allele frequency attached by ClinVar (database versions not stated): ExAC 0.00001; gnomAD 0.00001; gnomAD exomes 0.00001 and 0.00002; TOPMed 0.00002.
gnomAD v4.1: 30 of 1,613,746 alleles (0.0019%); highest among the groups gnomAD compares: South Asian, 0.0077%; no homozygotes.

Submissions (6):

Women's Health and Genetics/Laboratory Corporation of America, LabCorp
Classification: Pathogenic for Methylcrotonyl-CoA carboxylase deficiency. Last evaluated: 2026-03-03. Review status: criteria provided, single submitter. Criteria: LabCorp Variant Classification Summary - May 2015. Collection method: clinical testing. Allele origin: germline.
Comment: Variant summary: MCCC1 c.980C>G (p.Ser327X) results in a premature termination codon, predicted to cause a truncation of the encoded protein or absence of the protein due to nonsense mediated decay, which are commonly known mechanisms for disease. The variant allele was found at a frequency of 8e-06 in 251392 control chromosomes (gnomAD). c.980C>G has been observed in individuals affected with Methylcrotonyl-CoA Carboxylase Deficiency (Morscher_2012, Lin_2024). These data indicate that the variant may be associated with disease. To our knowledge, no experimental evidence demonstrating an impact on protein function has been reported. The following publications have been ascertained in the context of this evaluation (PMID: 39188588, 22264772). ClinVar contains an entry for this variant (Variation ID: 265231). Based on the evidence outlined above, the variant was classified as pathogenic.

Natera, Inc.
Classification: Pathogenic for 3-methylcrotonyl-CoA carboxylase 1 deficiency. Last evaluated: 2024-10-30. Review status: criteria provided, single submitter. Criteria: Natera Variant Classification Schema (03/2026). Collection method: clinical testing. Allele origin: germline.
Comment: The c.980C>G variant in MCCC1 is a nonsense variant predicted to introduce a stop codon at amino acid 327. This variant is expected to result in nonsense mediated decay, truncation, or a dysfunctional protein product. This variant is rare in the general population with a frequency below the threshold expected for the associated phenotype(s). This variant has been observed in one or more individuals affected with the associated recessive disease, as either homozygous or compound heterozygous with a second variant (PMID: 22642865). Given the available evidence, this variant is classified as Pathogenic.

Baylor Genetics
Classification: Pathogenic for 3-methylcrotonyl-CoA carboxylase 1 deficiency. Last evaluated: 2024-03-21. Review status: criteria provided, single submitter. Criteria: ACMG Guidelines, 2015. Collection method: clinical testing. Allele origin: unknown.

Fulgent Genetics
Classification: Pathogenic for 3-methylcrotonyl-CoA carboxylase 1 deficiency. Last evaluated: 2024-03-20. Review status: criteria provided, single submitter. Criteria: ACMG Guidelines, 2015. Collection method: clinical testing. Allele origin: germline.

Labcorp Genetics (formerly Invitae), Labcorp
Classification: Pathogenic for 3-methylcrotonyl-CoA carboxylase 1 deficiency. Last evaluated: 2023-03-11. Review status: criteria provided, single submitter. Criteria: Invitae Variant Classification Sherloc (09022015). Collection method: clinical testing. Allele origin: germline.
Comment: For these reasons, this variant has been classified as Pathogenic. ClinVar contains an entry for this variant (Variation ID: 265231). This premature translational stop signal has been observed in individual(s) with 3-methylcrotonyl-CoA carboxylase deficiency (PMID: 22642865). This variant is present in population databases (rs750484977, gnomAD 0.006%). This sequence change creates a premature translational stop signal (p.Ser327*) in the MCCC1 gene. It is expected to result in an absent or disrupted protein product. Loss-of-function variants in MCCC1 are known to be pathogenic (PMID: 11181649, 15359379, 22642865).

GeneDx
Classification: Pathogenic. Last evaluated: 2022-04-07. Review status: criteria provided, single submitter. Criteria: GeneDx Variant Classification Process June 2021. Collection method: clinical testing. Allele origin: germline. Affected: yes.
Comment: Nonsense variant predicted to result in protein truncation or nonsense mediated decay in a gene for which loss of function is a known mechanism of disease; Not observed at significant frequency in large population cohorts (gnomAD); Reported along with a second variant in the MCCC1 gene in a patient with 3-MCC deficiency in the published literature; however, segregation information was not provided (Grunert et al., 2012); This variant is associated with the following publications: (PMID: 22264772, 32778825, 22642865)

Literature cited by the submitters: PubMed 22264772 (cited by Women's Health and Genetics/Laboratory Corporation of America, LabCorp); PubMed 39188588 (cited by Women's Health and Genetics/Laboratory Corporation of America, LabCorp); PubMed 22642865 (cited by Natera, Inc. and Labcorp Genetics (formerly Invitae), Labcorp); PubMed 11181649 (cited by Labcorp Genetics (formerly Invitae), Labcorp); PubMed 15359379 (cited by Labcorp Genetics (formerly Invitae), Labcorp).